The following is an entry in ClinVar:

NM_001042492.3(NF1):c.8273C>T (p.Pro2758Leu)

Gene: NF1 (neurofibromin 1; plus strand). Cytogenetic location: 17q11.2.
Variant type: single nucleotide variant.
Coding change: c.8273C>T on transcript NM_001042492.3 (MANE Select); coding-DNA position 8273, C replaced by T.
Protein change: p.Pro2758Leu; replaces proline 2758 with leucine.
Molecular consequence: missense variant.
Genome position (GRCh38, 1-based): chr17:31,360,599, C>T. VCF-style: chr17-31360599-C-T. GRCh37 (hg19) VCF-style: chr17-29687617-C-T.
Other names: c.8210C>T, p.Pro2737Leu (NM_000267.4); short protein forms P2758L, P2737L.
Identifiers: ClinVar variation 4119136 (VCV004119136.1).
Genomic context (GRCh38, chr17:31,360,599, plus strand): 5'-TGATTGACACGTACCTGCCTGGAATTGATGAAGAAACCAGTGAAGAATCCCTCCTGACTC[C>T]CACATCTCCTTACCCTCCTGCACTGCAGAGCCAGCTTAGTATCACTGCCAACCTTAACCT-3'
Protein context (NP_001035957.1, residues 2748-2768): EETSEESLLT[Pro2758Leu]TSPYPPALQS

ClinVar aggregate classification (germline): Uncertain significance (1 of 4 stars; one submission).

Conditions:
Cardiovascular phenotype. Identifiers: MedGen CN230736.
Hereditary cancer-predisposing syndrome. Also called: Hereditary neoplastic syndrome; Neoplastic Syndromes, Hereditary; Tumor predisposition; Hereditary Cancer Syndrome. Identifiers: Orphanet 140162, MedGen C0027672, MeSH D009386, MONDO:0015356.

Submission:

Ambry Genetics
Classification: Uncertain significance for Cardiovascular phenotype; Hereditary cancer-predisposing syndrome. Last evaluated: 2025-08-20. Review status: criteria provided, single submitter. Criteria: Ambry Variant Classification Scheme 2023. Collection method: clinical testing. Allele origin: germline.
Comment: The p.P2737L variant (also known as c.8210C>T), located in coding exon 56 of the NF1 gene, results from a C to T substitution at nucleotide position 8210. The proline at codon 2737 is replaced by leucine, an amino acid with similar properties. This amino acid position is highly conserved in available vertebrate species. In addition, this alteration is predicted to be tolerated by in silico analysis. Based on the available evidence, the clinical significance of this variant remains unclear.